The following is an entry in ClinVar:

NM_182961.4(SYNE1):c.10414C>T (p.Arg3472Ter)

Gene: SYNE1 (spectrin repeat containing nuclear envelope protein 1; minus strand). Cytogenetic location: 6q25.2.
Variant type: single nucleotide variant.
Coding change: c.10414C>T on transcript NM_182961.4 (MANE Select); coding-DNA position 10414, C replaced by T.
Protein change: p.Arg3472Ter; replaces arginine 3472 with a stop codon.
Molecular consequence: nonsense.
Genome position (GRCh38, 1-based): chr6:152,359,344, G>A on the plus strand (C>T on the coding strand, the complement: SYNE1 is on the minus strand). VCF-style: chr6-152359344-G-A. GRCh37 (hg19) VCF-style: chr6-152680479-G-A.
Other names: c.10435C>T, p.Arg3479Ter (NM_033071.5); short protein forms R3472*, R3479*.
Identifiers: ClinVar variation 1323667 (VCV001323667.8), dbSNP rs2096893099, ClinGen allele CA366128284.

ClinVar aggregate classification (germline): Pathogenic. Review status: criteria provided, multiple submitters, no conflicts (2 of 4 stars). 2 submissions from 2 submitters: Pathogenic (2). Last evaluated 2024-05-20.

Conditions:
Autosomal recessive ataxia, Beauce type. Also called: SYNE1-Related Autosomal Recessive Cerebellar Ataxia; SYNE1 Deficiency; Spinocerebellar ataxia, autosomal recessive 8; ATAXIA, RECESSIVE, OF BEAUCE. Identifiers: Orphanet 88644, MedGen C1853116, MONDO:0012549, OMIM 610743.
Emery-Dreifuss muscular dystrophy 4, autosomal dominant (EDMD4). Also called: EMERY-DREIFUSS MUSCULAR DYSTROPHY 4 WITH VARIABLE FEATURES. Identifiers: Orphanet 261, MedGen C2751807, MONDO:0013071, OMIM 612998.

Allele frequency attached by ClinVar (database versions not stated): gnomAD exomes below 0.00001; gnomAD 0.00001; TOPMed 0.00001.
gnomAD v4.1: 6 of 1,613,970 alleles (0.00037%); highest among the groups gnomAD compares: South Asian, 0.0011%; no homozygotes.

Submissions (2):

Labcorp Genetics (formerly Invitae), Labcorp
Classification: Pathogenic for Emery-Dreifuss muscular dystrophy 4, autosomal dominant; Autosomal recessive ataxia, Beauce type. Last evaluated: 2024-05-20. Review status: criteria provided, single submitter. Criteria: Invitae Variant Classification Sherloc (09022015). Collection method: clinical testing. Allele origin: germline.
Comment: This sequence change creates a premature translational stop signal (p.Arg3479*) in the SYNE1 gene. It is expected to result in an absent or disrupted protein product. Loss-of-function variants in SYNE1 are known to be pathogenic (PMID: 19542096, 24319099, 27086870). This variant is not present in population databases (gnomAD no frequency). This variant has not been reported in the literature in individuals affected with SYNE1-related conditions. ClinVar contains an entry for this variant (Variation ID: 1323667). For these reasons, this variant has been classified as Pathogenic.

Revvity Omics, Revvity
Classification: Pathogenic. Last evaluated: 2019-08-16. Review status: criteria provided, single submitter. Criteria: ACMG Guidelines, 2015. Collection method: clinical testing. Allele origin: germline.

Literature cited by the submitters: PubMed 19542096 (cited by Labcorp Genetics (formerly Invitae), Labcorp); PubMed 24319099 (cited by Labcorp Genetics (formerly Invitae), Labcorp); PubMed 27086870 (cited by Labcorp Genetics (formerly Invitae), Labcorp).